The following is an entry in ClinVar:

ClinVar aggregate classification (germline): Pathogenic/Likely pathogenic. Review status: criteria provided, multiple submitters, no conflicts (2 of 4 stars). 3 submissions from 3 submitters: Pathogenic (2); Likely pathogenic (1). Last evaluated 2024-07-10.

Conditions:
Zellweger spectrum disorders (ZS). Also called: Zellweger syndrome; Zellweger Spectrum Disorder; Zellweger Spectrum; Zellweger Spectrum Disorder (ZSD). Identifiers: Orphanet 912, MedGen C0043459, MONDO:0019609.
Heimler syndrome 1 (HMLR1). Also called: PEROXISOME BIOGENESIS DISORDER 1C. Identifiers: Orphanet 3220, MedGen C4551980, OMIM 234580, MONDO:0024544.

Allele frequency attached by ClinVar (database versions not stated): gnomAD exomes below 0.00001.

Submissions (3):

Labcorp Genetics (formerly Invitae), Labcorp
Classification: Pathogenic for Zellweger spectrum disorders. Last evaluated: 2024-07-10. Review status: criteria provided, single submitter. Criteria: Invitae Variant Classification Sherloc (09022015). Collection method: clinical testing. Allele origin: germline.
Comment: This sequence change creates a premature translational stop signal (p.Ala631Leufs*14) in the PEX1 gene. It is expected to result in an absent or disrupted protein product. Loss-of-function variants in PEX1 are known to be pathogenic (PMID: 21031596, 26387595, 31831025). This variant is not present in population databases (gnomAD no frequency). This premature translational stop signal has been observed in individual(s) with Zellweger syndrome spectrum (PMID: 21031596). ClinVar contains an entry for this variant (Variation ID: 1458579). For these reasons, this variant has been classified as Pathogenic.

Baylor Genetics
Classification: Pathogenic for Heimler syndrome 1. Last evaluated: 2022-12-01. Review status: criteria provided, single submitter. Criteria: ACMG Guidelines, 2015. Collection method: clinical testing. Allele origin: unknown.

Revvity Omics, Revvity
Classification: Likely pathogenic. Last evaluated: 2022-10-12. Review status: criteria provided, single submitter. Criteria: ACMG Guidelines, 2015. Collection method: clinical testing. Allele origin: germline.

Literature cited by the submitters: PubMed 21031596 (cited by Labcorp Genetics (formerly Invitae), Labcorp); PubMed 26387595 (cited by Labcorp Genetics (formerly Invitae), Labcorp); PubMed 31831025 (cited by Labcorp Genetics (formerly Invitae), Labcorp).

NM_000466.3(PEX1):c.1891del (p.Ala631fs)

Gene: PEX1 (peroxisomal biogenesis factor 1; minus strand). Cytogenetic location: 7q21.2.
Variant type: Deletion.
Coding change: c.1891del on transcript NM_000466.3 (MANE Select); coding-DNA position 1891, one base deleted (G; older notation c.1891delG).
Protein change: p.Ala631fs; shifts the reading frame from alanine 631.
Molecular consequence: frameshift variant.
Genome position (GRCh38, 1-based): chr7:92,506,257, C deleted on the plus strand (G on the coding strand, the reverse complement: PEX1 is on the minus strand). VCF-style (leftmost placement, unchanged base first): chr7-92506256-GC-G. GRCh37 (hg19) VCF-style: chr7-92135570-GC-G.
Other names: c.1891del, p.Ala631fs (NM_001282677.2); c.1267del, p.Ala423fs (NM_001282678.2); short protein forms A423fs, A631fs.
Identifiers: ClinVar variation 1458579 (VCV001458579.9), dbSNP rs2075434480, ClinGen allele CA1725941064.
Genomic context (GRCh38, chr7:92,506,256, plus strand): 5'-CCTGTCTTTCTAATGAAAAAGGGATTTATATAGAGTGTTACCATACTCATACCTCGTAAA[GC>G]TTTACAGTCAACTCTCTCCACATGGGCATCCAGTTTGTCAAATGCTTCTTTACAGATTGC-3'